The following is an entry in ClinVar:

NM_025137.4(SPG11):c.4072del (p.Ser1358fs)

Gene: SPG11 (SPG11 vesicle trafficking associated, spatacsin; minus strand). Cytogenetic location: 15q21.1.
Variant type: Deletion.
Coding change: c.4072del on transcript NM_025137.4 (MANE Select); coding-DNA position 4072, one base deleted (A; older notation c.4072delA).
Protein change: p.Ser1358fs; shifts the reading frame from serine 1358.
Molecular consequence: frameshift variant.
Genome position (GRCh38, 1-based): chr15:44,596,873, T deleted on the plus strand (A on the coding strand, the reverse complement: SPG11 is on the minus strand); the first of 2 consecutive T bases (chr15:44,596,873-44,596,874); deleting either gives the same sequence. VCF-style (leftmost placement, unchanged base first): chr15-44596872-CT-C. GRCh37 (hg19) VCF-style: chr15-44889070-CT-C.
Other names: c.4072del, p.Ser1358fs (NM_001160227.2, NM_001411132.1); short protein forms S1358fs.
Identifiers: ClinVar variation 2699291 (VCV002699291.3), dbSNP rs2505378199, ClinGen allele CA2697554414.

ClinVar aggregate classification (germline): Pathogenic (1 of 4 stars; one submission).

Conditions:
Hereditary spastic paraplegia 11. Also called: SPASTIC PARAPLEGIA, AUTOSOMAL RECESSIVE, COMPLICATED, WITH THIN CORPUS CALLOSUM; SPASTIC PARAPLEGIA, AUTOSOMAL RECESSIVE, WITH MENTAL IMPAIRMENT AND THIN CORPUS CALLOSUM; Spastic Paraplegia 11; Spastic paraplegia, mental retardation and thin corpus callosum; Nakamura Osame syndrome; Autosomal recessive hereditary spastic paraplegia, mental impairment, and thin corpus callosum. Identifiers: Orphanet 2822, MedGen C1858479, MONDO:0011445, OMIM 604360.

Submission:

Labcorp Genetics (formerly Invitae), Labcorp
Classification: Pathogenic for Hereditary spastic paraplegia 11. Last evaluated: 2024-10-24. Review status: criteria provided, single submitter. Criteria: Invitae Variant Classification Sherloc (09022015). Collection method: clinical testing. Allele origin: germline.
Comment: This sequence change creates a premature translational stop signal (p.Ser1358Alafs*31) in the SPG11 gene. It is expected to result in an absent or disrupted protein product. Loss-of-function variants in SPG11 are known to be pathogenic (PMID: 19105190, 20110243, 22154821, 26556829). This variant is not present in population databases (gnomAD no frequency). This variant has not been reported in the literature in individuals affected with SPG11-related conditions. For these reasons, this variant has been classified as Pathogenic.

Literature cited by the submitters: PubMed 19105190; PubMed 20110243; PubMed 22154821; PubMed 26556829.